The following is an entry in ClinVar:

NM_005360.5(MAF):c.199G>C (p.Val67Leu)

Gene: MAF (MAF bZIP transcription factor; minus strand). Cytogenetic location: 16q23.2.
Variant type: single nucleotide variant.
Coding change: c.199G>C on transcript NM_005360.5 (MANE Select); coding-DNA position 199, G replaced by C.
Protein change: p.Val67Leu; replaces valine 67 with leucine.
Molecular consequence: missense variant.
Genome position (GRCh38, 1-based): chr16:79,599,704, C>G on the plus strand (G>C on the coding strand, the complement: MAF is on the minus strand). VCF-style: chr16-79599704-C-G. GRCh37 (hg19) VCF-style: chr16-79633601-C-G.
Other names: c.199G>C, p.Val67Leu (NM_001031804.3); short protein forms V67L.
Identifiers: ClinVar variation 4891441 (VCV004891441.1).
Genomic context (GRCh38, chr16:79,599,704, plus strand): 5'-GCGCCTTCTGCTCGCTGCCCGAGCCCGGGCTGGGCGCCGAGAAGCTGGGGGAAGGGGGCA[C>G]CGAGCTGCACGGCGTGCTCATGGGGGTGGAGGACAGCGAGCCCCCGGCGATGAGACGGCC-3'
Protein context (NP_005351.2, residues 57-77): STPMSTPCSS[Val67Leu]PPSPSFSAPS

ClinVar aggregate classification (germline): Uncertain significance (1 of 4 stars; one submission).

Submission:

GeneDx
Classification: Uncertain significance. Last evaluated: 2026-03-06. Review status: criteria provided, single submitter. Criteria: GeneDx Variant Classification Process June 2021. Collection method: clinical testing. Allele origin: germline.
Comment: Not observed at significant frequency in large population cohorts (gnomAD); In silico analysis suggests that this missense variant does not alter protein structure/function; Has not been previously published as pathogenic or benign to our knowledge